The following is an entry in ClinVar:

NM_000214.3(JAG1):c.506C>A (p.Thr169Lys)

Gene: JAG1 (jagged canonical Notch ligand 1; minus strand). Cytogenetic location: 20p12.2.
Variant type: single nucleotide variant.
Coding change: c.506C>A on transcript NM_000214.3 (MANE Select); coding-DNA position 506, C replaced by A.
Protein change: p.Thr169Lys; replaces threonine 169 with lysine.
Molecular consequence: missense variant.
Genome position (GRCh38, 1-based): chr20:10,658,656, G>T on the plus strand (C>A on the coding strand, the complement: JAG1 is on the minus strand). VCF-style: chr20-10658656-G-T. GRCh37 (hg19) VCF-style: chr20-10639304-G-T.
Other names: short protein forms T169K.
Identifiers: ClinVar variation 3573319 (VCV003573319.2).

Conditions:
Arteriohepatic dysplasia. Also called: Alagille Syndrome. Identifiers: Orphanet 52, MedGen C0085280, MeSH D016738, MONDO:0007318.

Submission:

Gilbert/Spinner Lab, Children's Hospital of Philadelphia
No classification provided (evidence only). Condition: Alagille syndrome. Review status: no classification provided. Collection method: research. Allele origin: not applicable. Functional consequence: functionally_abnormal.
ClinVar note: "not provided" was previously submitted as the classification for the variant. However, the classification appeared to be based only on an observation of functional data so it was converted to no classification on 2025-07-30.